The following is an entry in ClinVar:

NM_001384732.1(CPLANE1):c.4096G>T (p.Val1366Leu)

Gene: CPLANE1 (ciliogenesis and planar polarity effector complex subunit 1; minus strand). Cytogenetic location: 5p13.2.
Variant type: single nucleotide variant.
Coding change: c.4096G>T on transcript NM_001384732.1 (MANE Select); coding-DNA position 4096, G replaced by T.
Protein change: p.Val1366Leu; replaces valine 1366 with leucine.
Molecular consequence: missense variant.
Genome position (GRCh38, 1-based): chr5:37,186,379, C>A on the plus strand (G>T on the coding strand, the complement: CPLANE1 is on the minus strand). VCF-style: chr5-37186379-C-A. GRCh37 (hg19) VCF-style: chr5-37186481-C-A.
Other names: c.4096G>T, p.Val1366Leu (NM_023073.4); short protein forms V1366L.
Identifiers: ClinVar variation 1460484 (VCV001460484.8), dbSNP rs781367784, ClinGen allele CA359503628.
Genomic context (GRCh38, chr5:37,186,379, plus strand): 5'-GAGAGTGATATTTGTCTCTTAAAGGAACCCTCACGTCCTCAGGATAGGGAAATGCTTTCA[C>A]GAAAATTTCTGCTACCTTCAGAAAAAAAATTGTTTAAGTTTTATGAGAAACATCATTCTT-3'
Protein context (NP_001371661.1, residues 1356-1376): PPIRKVAEIF[Val1366Leu]KAFPYPEDVR

ClinVar aggregate classification (germline): Uncertain significance (1 of 4 stars; one submission).

gnomAD v4.1: 1 of 1,582,462 alleles (0.000063%); highest among the groups gnomAD compares: Non-Finnish European, 0.000087%; no homozygotes.

Submission:

Labcorp Genetics (formerly Invitae), Labcorp
Classification: Uncertain significance. Last evaluated: 2023-12-11. Review status: criteria provided, single submitter. Criteria: Invitae Variant Classification Sherloc (09022015). Collection method: clinical testing. Allele origin: germline.
Comment: This sequence change replaces valine, which is neutral and non-polar, with leucine, which is neutral and non-polar, at codon 1366 of the CPLANE1 protein (p.Val1366Leu). This variant is not present in population databases (gnomAD no frequency). This variant has not been reported in the literature in individuals affected with CPLANE1-related conditions. ClinVar contains an entry for this variant (Variation ID: 1460484). Advanced modeling of protein sequence and biophysical properties (such as structural, functional, and spatial information, amino acid conservation, physicochemical variation, residue mobility, and thermodynamic stability) performed at Invitae indicates that this missense variant is not expected to disrupt CPLANE1 protein function with a negative predictive value of 95%. Algorithms developed to predict the effect of sequence changes on RNA splicing suggest that this variant may disrupt the consensus splice site. In summary, the available evidence is currently insufficient to determine the role of this variant in disease. Therefore, it has been classified as a Variant of Uncertain Significance.